The following is an entry in ClinVar:

NM_003737.4(DCHS1):c.325C>T (p.Arg109Cys)

Gene: DCHS1 (dachsous cadherin-related 1; minus strand). Cytogenetic location: 11p15.4.
Variant type: single nucleotide variant.
Coding change: c.325C>T on transcript NM_003737.4 (MANE Select); coding-DNA position 325, C replaced by T.
Protein change: p.Arg109Cys; replaces arginine 109 with cysteine.
Molecular consequence: missense variant.
Genome position (GRCh38, 1-based): chr11:6,641,289, G>A on the plus strand (C>T on the coding strand, the complement: DCHS1 is on the minus strand). VCF-style: chr11-6641289-G-A. GRCh37 (hg19) VCF-style: chr11-6662520-G-A.
Other names: c.325C>T (NM_003737.2); short protein forms R109C.
Identifiers: ClinVar variation 1373048 (VCV001373048.8), dbSNP rs371390544, ClinGen allele CA5861171.

ClinVar aggregate classification (germline): Uncertain significance. Review status: criteria provided, multiple submitters, no conflicts (2 of 4 stars). 2 submissions from 2 submitters: Uncertain significance (2). Last evaluated 2025-12-22.

Conditions:
Inborn genetic diseases. Identifiers: MedGen C0950123, MeSH D030342.

Allele frequency attached by ClinVar (database versions not stated): gnomAD 0.00008 and 0.00009; TOPMed 0.00009; gnomAD exomes 0.00014 and 0.00015; ESP Exome Variant Server 0.00015; 1000 Genomes Project 30x 0.00016; 1000 Genomes Project 0.00020; ExAC 0.00020.
gnomAD v4.1: 248 of 1,613,676 alleles (0.015%); highest among the groups gnomAD compares: South Asian, 0.023%; no homozygotes.

Submissions (2):

Labcorp Genetics (formerly Invitae), Labcorp
Classification: Uncertain significance. Last evaluated: 2025-12-22. Review status: criteria provided, single submitter. Criteria: Invitae Variant Classification Sherloc (09022015). Collection method: clinical testing. Allele origin: germline.
Comment: This sequence change replaces arginine, which is basic and polar, with cysteine, which is neutral and slightly polar, at codon 109 of the DCHS1 protein (p.Arg109Cys). This variant is present in population databases (rs371390544, gnomAD 0.04%). This variant has not been reported in the literature in individuals affected with DCHS1-related conditions. ClinVar contains an entry for this variant (Variation ID: 1373048). Invitae Evidence Modeling of protein sequence and biophysical properties (such as structural, functional, and spatial information, amino acid conservation, physicochemical variation, residue mobility, and thermodynamic stability) has been performed for this missense variant. However, the output from this modeling did not meet the statistical confidence thresholds required to predict the impact of this variant on DCHS1 protein function. In summary, the available evidence is currently insufficient to determine the role of this variant in disease. Therefore, it has been classified as a Variant of Uncertain Significance.

Ambry Genetics
Classification: Uncertain significance for Inborn genetic diseases. Last evaluated: 2025-08-26. Review status: criteria provided, single submitter. Criteria: Ambry Variant Classification Scheme 2023. Collection method: clinical testing. Allele origin: germline.